The following is an entry in ClinVar:

NM_000169.3(GLA):c.650_663dup (p.Tyr222fs)

Genes: GLA (galactosidase alpha; minus strand), RPL36A-HNRNPH2 (RPL36A-HNRNPH2 readthrough; plus strand). Cytogenetic location: Xq22.1.
Variant type: Duplication.
Coding change: c.650_663dup on transcript NM_000169.3 (MANE Select); coding-DNA positions 650 to 663, 14 bases duplicated (CAGAAATCCGACAG).
Protein change: p.Tyr222fs; shifts the reading frame from tyrosine 222.
Molecular consequence: frameshift variant. On other transcripts: non-coding transcript variant (3), intron variant (2).
Genome position (GRCh38, 1-based): chrX:101,398,923-101,398,936, CTGTCGGATTTCTG duplicated on the plus strand (CAGAAATCCGACAG on the coding strand, the reverse complement: GLA is on the minus strand). VCF-style (leftmost placement, unchanged base first): chrX-101398922-A-ACTGTCGGATTTCTG. GRCh37 (hg19) VCF-style: chrX-100653910-A-ACTGTCGGATTTCTG.
Other names: c.773_786dup, p.Tyr263fs (NM_001406747.1); c.650_663dup, p.Tyr222fs (NM_001406748.1); c.300+3466_300+3479dup (NM_001199973.2); c.177+7101_177+7114dup (NM_001199974.2); short protein forms Y222fs, Y263fs.
Identifiers: ClinVar variation 4974907 (VCV004974907.1).

ClinVar aggregate classification (germline): Likely pathogenic (1 of 4 stars; one submission).

Conditions:
Fabry disease. Also called: Fabry's disease; ALPHA-GALACTOSIDASE A DEFICIENCY; ANDERSON-FABRY DISEASE; CERAMIDE TRIHEXOSIDASE DEFICIENCY; GLA DEFICIENCY; HEREDITARY DYSTOPIC LIPIDOSIS. Identifiers: Orphanet 324, MedGen C0002986, MONDO:0010526, OMIM 301500, HP:0001071. Disease mechanism: Fabry disease is due to inactivating mutations in the X-linked GLA gene resulting in deficiency of the enzyme Alpha Galactosidase-A., loss of function.

Submission:

Genomenon, Inc
Classification: Likely pathogenic for Fabry disease. Last evaluated: 2026-09-08. Review status: criteria provided, single submitter. Criteria: Genomenon Sequence Variant Interpretation Standards - Updated. Collection method: curation. Allele origin: germline. Affected: no.
Comment: GLA p.Tyr222GlnfsTer23 (c.650_663dup) is a frameshift variant that is predicted to introduce a premature termination codon and result in a truncated or absent protein product. This variant has been reported in the published literature (PMID:15776423). It is absent or not present at a significant frequency in gnomAD. In conclusion, we classify GLA p.Tyr222GlnfsTer23 (c.650_663dup) as a likely pathogenic variant.

Literature cited by the submitters: PubMed 15776423.